The following is an entry in ClinVar:

ClinVar aggregate classification (germline): Benign. Review status: criteria provided, multiple submitters, no conflicts (2 of 4 stars). 17 submissions from 14 submitters: Benign (12). 5 of the submissions do not count toward it. Last evaluated 2026-02-03.

Conditions:
Arthrogryposis multiplex congenita 3, myogenic type. Also called: ARTHROGRYPOSIS MULTIPLEX CONGENITA, MYOGENIC TYPE. Identifiers: MedGen C5193121, MONDO:0032778, OMIM 618484.
Emery-Dreifuss muscular dystrophy 4, autosomal dominant (EDMD4). Also called: EMERY-DREIFUSS MUSCULAR DYSTROPHY 4 WITH VARIABLE FEATURES. Identifiers: Orphanet 261, MedGen C2751807, MONDO:0013071, OMIM 612998.
Autosomal recessive ataxia, Beauce type. Also called: SYNE1 Deficiency; Spinocerebellar ataxia, autosomal recessive 8; ATAXIA, RECESSIVE, OF BEAUCE; SYNE1-Related Autosomal Recessive Cerebellar Ataxia. Identifiers: Orphanet 88644, MedGen C1853116, MONDO:0012549, OMIM 610743.

Allele frequency attached by ClinVar (database versions not stated): ExAC 0.48103; gnomAD 0.50379 and 0.50722; ESP Exome Variant Server 0.50724; TOPMed 0.51348; 1000 Genomes Project 30x 0.58682; 1000 Genomes Project 0.58926.
gnomAD v4.1: 671,618 of 1,521,684 alleles (44%); highest among the groups gnomAD compares: East Asian, 78%; 155,519 homozygotes.

Submissions (18):

Labcorp Genetics (formerly Invitae), Labcorp
Classification: Benign for Emery-Dreifuss muscular dystrophy 4, autosomal dominant; Autosomal recessive ataxia, Beauce type. Last evaluated: 2026-02-03. Review status: criteria provided, single submitter. Criteria: Invitae Variant Classification Sherloc (09022015). Collection method: clinical testing. Allele origin: germline.

Blueprint Genetics
Classification: Benign. Last evaluated: 2024-11-27. Review status: criteria provided, single submitter. Criteria: ACMG Guidelines, 2015. Collection method: clinical testing. Allele origin: germline.

Genome-Nilou Lab
Classification: Benign for Arthrogryposis multiplex congenita 3, myogenic type. Last evaluated: 2021-07-15. Review status: criteria provided, single submitter. Criteria: ACMG Guidelines, 2015. Collection method: clinical testing. Allele origin: germline. Affected: no.

Genome-Nilou Lab
Classification: Benign for Emery-Dreifuss muscular dystrophy 4, autosomal dominant. Last evaluated: 2021-07-15. Review status: criteria provided, single submitter. Criteria: ACMG Guidelines, 2015. Collection method: clinical testing. Allele origin: germline. Affected: no.

Genome-Nilou Lab
Classification: Benign for Autosomal recessive ataxia, Beauce type. Last evaluated: 2021-07-15. Review status: criteria provided, single submitter. Criteria: ACMG Guidelines, 2015. Collection method: clinical testing. Allele origin: germline. Affected: no.

Athena Diagnostics
Classification: Benign. Last evaluated: 2018-11-01. Review status: criteria provided, single submitter. Criteria: Athena Diagnostics Criteria. Collection method: clinical testing. Allele origin: germline.

Illumina Laboratory Services, Illumina
Classification: Benign for Autosomal recessive ataxia, Beauce type. Last evaluated: 2018-01-12. Review status: criteria provided, single submitter. Criteria: ICSL Variant Classification Criteria 13 December 2019. Collection method: clinical testing. Allele origin: germline.
Comment: This variant was observed in the ICSL laboratory as part of a predisposition screen in an ostensibly healthy population. It had not been previously curated by ICSL or reported in the Human Gene Mutation Database (HGMD: prior to June 1st, 2018), and was therefore a candidate for classification through an automated scoring system. Utilizing variant allele frequency, disease prevalence and penetrance estimates, and inheritance mode, an automated score was calculated to assess if this variant is too frequent to cause the disease. Based on the score and internal cut-off values, a variant classified as benign is not then subjected to further curation. The score for this variant resulted in a classification of benign for this disease.

Illumina Laboratory Services, Illumina
Classification: Benign for Emery-Dreifuss muscular dystrophy 4, autosomal dominant. Last evaluated: 2018-01-12. Review status: criteria provided, single submitter. Criteria: ICSL Variant Classification Criteria 13 December 2019. Collection method: clinical testing. Allele origin: germline.
Comment: the same text as in the submission from Illumina Laboratory Services, Illumina above.

Mayo Clinic Laboratories, Mayo Clinic
Classification: Benign. Last evaluated: 2017-10-11. Review status: criteria provided, single submitter. Criteria: ACMG Guidelines, 2015. Collection method: clinical testing. Allele origin: germline. Observed: 777 variant alleles.

GeneDx
Classification: Benign. Last evaluated: 2016-01-25. Review status: criteria provided, single submitter. Criteria: GeneDx Variant Classification (06012015). Collection method: clinical testing. Allele origin: germline. Affected: yes.
Comment: This variant is considered likely benign or benign based on one or more of the following criteria: it is a conservative change, it occurs at a poorly conserved position in the protein, it is predicted to be benign by multiple in silico algorithms, and/or has population frequency not consistent with disease.

Eurofins Ntd Llc (ga)
Classification: Benign. Last evaluated: 2014-11-26. Review status: criteria provided, single submitter. Criteria: EGL Classification Definitions 2015. Collection method: clinical testing. Allele origin: germline. Observed: 3 variant alleles, 2 heterozygotes, 1 homozygote.

PreventionGenetics, part of Exact Sciences
Classification: Benign. Review status: criteria provided, single submitter. Criteria: ACMG Guidelines, 2015. Collection method: clinical testing. Allele origin: germline.

Clinical Genetics DNA and cytogenetics Diagnostics Lab, Erasmus MC, Erasmus Medical Center
Classification: Benign. Review status: no assertion criteria provided. Collection method: clinical testing. Allele origin: germline. Affected: yes. Study: VKGL Data-share Consensus. Not counted in ClinVar's aggregate classification.

Clinical Genetics, Academic Medical Center
Classification: Benign. Review status: no assertion criteria provided. Collection method: clinical testing. Allele origin: germline. Affected: yes. Study: VKGL Data-share Consensus. Not counted in ClinVar's aggregate classification.

Diagnostic Laboratory, Department of Genetics, University Medical Center Groningen
Classification: Benign. Review status: no assertion criteria provided. Collection method: clinical testing. Allele origin: germline. Affected: yes. Study: VKGL Data-share Consensus. Not counted in ClinVar's aggregate classification.

Dr. Peter K. Rogan Lab, Western University
No classification provided (evidence only). Condition: Thyroid cancer, nonmedullary, 1. Review status: no classification provided. Collection method: in vitro. Allele origin: not applicable. Functional consequence: retained intron. Not counted in ClinVar's aggregate classification.

Genetic Services Laboratory, University of Chicago
Classification: Likely benign for AllHighlyPenetrant. Review status: no assertion criteria provided. Collection method: clinical testing. Allele origin: germline. Inheritance: Autosomal dominant inheritance. Not counted in ClinVar's aggregate classification.
Comment: Likely benign based on allele frequency in 1000 Genomes Project or ESP global frequency and its presence in a patient with a rare or unrelated disease phenotype. NOT Sanger confirmed.

Joint Genome Diagnostic Labs from Nijmegen and Maastricht, Radboudumc and MUMC+
Classification: Benign. Review status: no assertion criteria provided. Collection method: clinical testing. Allele origin: germline. Affected: yes. Study: VKGL Data-share Consensus. Not counted in ClinVar's aggregate classification.

NM_182961.4(SYNE1):c.1047+4T>A

Gene: SYNE1 (spectrin repeat containing nuclear envelope protein 1; minus strand). Cytogenetic location: 6q25.2.
Variant type: single nucleotide variant.
Coding change: c.1047+4T>A on transcript NM_182961.4 (MANE Select); 4 bases into the intron after coding-DNA position 1047, T replaced by A.
Molecular consequence: intron variant.
Genome position (GRCh38, 1-based): chr6:152,488,392, A>T on the plus strand (T>A on the coding strand, the complement: SYNE1 is on the minus strand). VCF-style: chr6-152488392-A-T. GRCh37 (hg19) VCF-style: chr6-152809527-A-T.
Other names: p.?; c.1068+4T>A (NM_033071.5).
Identifiers: ClinVar variation 130392 (VCV000130392.36), dbSNP rs9397106, ClinGen allele CA155328.